The following is an entry in ClinVar:

ClinVar aggregate classification (germline): Conflicting classifications of pathogenicity. Review status: criteria provided, conflicting classifications (1 of 4 stars). 3 submissions from 3 submitters: Uncertain significance (2); Likely benign (1). Last evaluated 2026-05-14.

Conditions:
Primary ciliary dyskinesia. Also called: Ciliary dyskinesia. Identifiers: Orphanet 244, MedGen C0008780, MONDO:0016575, HP:0012265.

Allele frequency attached by ClinVar (database versions not stated): gnomAD 0.00001; gnomAD exomes 0.00002; ExAC 0.00005.
gnomAD v4.1: 26 of 1,583,418 alleles (0.0016%); highest among the groups gnomAD compares: Non-Finnish European, 0.0022%; no homozygotes.

Submissions (3):

Ambry Genetics
Classification: Likely benign for Primary ciliary dyskinesia. Last evaluated: 2026-05-14. Review status: criteria provided, single submitter. Criteria: Ambry Variant Classification Scheme 2023. Collection method: clinical testing. Allele origin: germline.

Labcorp Genetics (formerly Invitae), Labcorp
Classification: Uncertain significance for Primary ciliary dyskinesia. Last evaluated: 2025-09-10. Review status: criteria provided, single submitter. Criteria: Invitae Variant Classification Sherloc (09022015). Collection method: clinical testing. Allele origin: germline.
Comment: This sequence change replaces aspartic acid, which is acidic and polar, with glycine, which is neutral and non-polar, at codon 224 of the DNAH11 protein (p.Asp224Gly). The frequency data for this variant in the population databases is considered unreliable, as metrics indicate poor data quality at this position in the gnomAD database. This variant has not been reported in the literature in individuals affected with DNAH11-related conditions. ClinVar contains an entry for this variant (Variation ID: 1755082). Invitae Evidence Modeling of protein sequence and biophysical properties (such as structural, functional, and spatial information, amino acid conservation, physicochemical variation, residue mobility, and thermodynamic stability) indicates that this missense variant is not expected to disrupt DNAH11 protein function with a negative predictive value of 95%. In summary, the available evidence is currently insufficient to determine the role of this variant in disease. Therefore, it has been classified as a Variant of Uncertain Significance.

Blueprint Genetics
Classification: Uncertain significance. Last evaluated: 2022-07-06. Review status: criteria provided, single submitter. Criteria: ACMG Guidelines, 2015. Collection method: clinical testing. Allele origin: germline.

NM_001277115.2(DNAH11):c.671A>G (p.Asp224Gly)

Gene: DNAH11 (dynein axonemal heavy chain 11; plus strand). Cytogenetic location: 7p15.3.
Variant type: single nucleotide variant.
Coding change: c.671A>G on transcript NM_001277115.2 (MANE Select); coding-DNA position 671, A replaced by G.
Protein change: p.Asp224Gly; replaces aspartic acid 224 with glycine.
Molecular consequence: missense variant.
Genome position (GRCh38, 1-based): chr7:21,558,977, A>G. VCF-style: chr7-21558977-A-G. GRCh37 (hg19) VCF-style: chr7-21598595-A-G.
Other names: c.671A>G, p.Asp224Gly (NM_003777.3); short protein forms D224G.
Identifiers: ClinVar variation 1755082 (VCV001755082.6), dbSNP rs770195775, ClinGen allele CA4178733.